The following is an entry in ClinVar:

NM_000208.4(INSR):c.909G>A (p.Gln303=)

Gene: INSR (insulin receptor; minus strand). Cytogenetic location: 19p13.2.
Variant type: single nucleotide variant.
Coding change: c.909G>A on transcript NM_000208.4 (MANE Select); coding-DNA position 909, G replaced by A.
Protein change: p.Gln303=; no amino-acid change (glutamine 303 retained).
Molecular consequence: synonymous variant.
Genome position (GRCh38, 1-based): chr19:7,184,381, C>T on the plus strand (G>A on the coding strand, the complement: INSR is on the minus strand). VCF-style: chr19-7184381-C-T. GRCh37 (hg19) VCF-style: chr19-7184392-C-T.
Other names: c.909G>A, p.Gln303= (NM_001079817.3).
Identifiers: ClinVar variation 330474 (VCV000330474.20), dbSNP rs9282757, ClinGen allele CA9135985.

ClinVar aggregate classification (germline): Conflicting classifications of pathogenicity. Review status: criteria provided, conflicting classifications (1 of 4 stars). 8 submissions from 6 submitters: Uncertain significance (1); Benign (6). 1 of the submissions does not count toward it. Last evaluated 2026-01-28.

Conditions:
Hyperinsulinism due to INSR deficiency. Also called: Hyperinsulinism due to glutamodehydrogenase deficiency. Identifiers: Orphanet 263458, MedGen C1864952, MONDO:0012381, OMIM 609968.
Insulin-resistant diabetes mellitus AND acanthosis nigricans. Also called: Insulin-resistance syndrome type A; INSULIN RECEPTOR, DEFECT IN, WITH INSULIN-RESISTANT DIABETES MELLITUS AND ACANTHOSIS NIGRICANS; IRAN, TYPE A; type A insulin resistance; DIABETES MELLITUS, INSULIN-RESISTANT, WITH ACANTHOSIS NIGRICANS, TYPE A. Identifiers: Orphanet 2297, MedGen C0342278, MONDO:0012520, OMIM 610549.
INSR-related disorder.
Leprechaunism syndrome. Also called: Donohue syndrome; LEPRECHAUNISM. Identifiers: Orphanet 508, MedGen C0265344, MONDO:0009517, OMIM 246200.
Rabson-Mendenhall syndrome. Also called: MENDENHALL SYNDROME; Pineal Hyperplasia, Insulin-Resistant Diabetes Mellitus, and Somatic Abnormalities; Pineal hyperplasia AND diabetes mellitus syndrome. Identifiers: Orphanet 769, MedGen C0271695, MONDO:0009874, OMIM 262190.

Allele frequency attached by ClinVar (database versions not stated): 1000 Genomes Project 0.00759; 1000 Genomes Project 30x 0.00812; gnomAD 0.00878 and 0.00950; TOPMed 0.00985; ESP Exome Variant Server 0.01000.
gnomAD v4.1: 2,622 of 1,614,060 alleles (0.16%); highest among the groups gnomAD compares: African/African-American, 2.9%; 30 homozygotes.

Submissions (8):

Labcorp Genetics (formerly Invitae), Labcorp
Classification: Benign. Last evaluated: 2026-01-28. Review status: criteria provided, single submitter. Criteria: Invitae Variant Classification Sherloc (09022015). Collection method: clinical testing. Allele origin: germline.

Genetic Services Laboratory, University of Chicago
Classification: Benign. Last evaluated: 2021-11-15. Review status: criteria provided, single submitter. Criteria: ACMG Guidelines, 2015. Collection method: clinical testing. Allele origin: germline. Affected: no.

Illumina Laboratory Services, Illumina
Classification: Benign for Leprechaunism syndrome. Last evaluated: 2018-01-13. Review status: criteria provided, single submitter. Criteria: ICSL Variant Classification Criteria 13 December 2019. Collection method: clinical testing. Allele origin: germline.
Comment: This variant was observed in the ICSL laboratory as part of a predisposition screen in an ostensibly healthy population. It had not been previously curated by ICSL or reported in the Human Gene Mutation Database (HGMD: prior to June 1st, 2018), and was therefore a candidate for classification through an automated scoring system. Utilizing variant allele frequency, disease prevalence and penetrance estimates, and inheritance mode, an automated score was calculated to assess if this variant is too frequent to cause the disease. Based on the score and internal cut-off values, a variant classified as benign is not then subjected to further curation. The score for this variant resulted in a classification of benign for this disease.

Illumina Laboratory Services, Illumina
Classification: Benign for Insulin-resistant diabetes mellitus AND acanthosis nigricans. Last evaluated: 2018-01-13. Review status: criteria provided, single submitter. Criteria: ICSL Variant Classification Criteria 13 December 2019. Collection method: clinical testing. Allele origin: germline.
Comment: the same text as in the submission from Illumina Laboratory Services, Illumina above.

Illumina Laboratory Services, Illumina
Classification: Benign for Rabson-Mendenhall syndrome. Last evaluated: 2018-01-13. Review status: criteria provided, single submitter. Criteria: ICSL Variant Classification Criteria 13 December 2019. Collection method: clinical testing. Allele origin: germline.
Comment: the same text as in the submission from Illumina Laboratory Services, Illumina above.

Breakthrough Genomics
Classification: Benign. Review status: criteria provided, single submitter. Criteria: ACMG Guidelines, 2015. Collection method: not provided. Allele origin: germline. Inheritance: Autosomal recessive inheritance. Affected: yes.

Clinical Genomics, Uppaluri K&H Personalized Medicine Clinic
Classification: Uncertain significance for Hyperinsulinism due to INSR deficiency. Review status: criteria provided, single submitter. Criteria: K And H Uppaluri Personalized Medicine Clinic Variant Classification And Assertion Criteria Updated V 2. Collection method: research. Allele origin: unknown. Inheritance: Autosomal dominant inheritance.
Comment: Potent mutations in INSR gene can lead to insulin resistance, which presents as impaired glucose tolerance, early onset type 2 diabetes, post prandial hyperglycemia and increased insulin requirement in type 1 diabetes. These mutations in INSR gene can also predispose to coronary artery disease, metabolic syndrome, polycystic ovarian disease and non alcoholic fatty liver disease.However, the role of this particular variant rs9282757 with early onset diabetes mellitus is yet to be ascertained.

PreventionGenetics, part of Exact Sciences
Classification: Benign for INSR-related condition. Last evaluated: 2020-01-31. Review status: no assertion criteria provided. Collection method: clinical testing. Allele origin: germline. Not counted in ClinVar's aggregate classification.
Comment: This variant is classified as benign based on ACMG/AMP sequence variant interpretation guidelines (Richards et al. 2015 PMID: 25741868, with internal and published modifications).

Literature cited by the submitters: PubMed 35000900 (cited by Clinical Genomics, Uppaluri K&H Personalized Medicine Clinic); PubMed 31989990 (cited by Clinical Genomics, Uppaluri K&H Personalized Medicine Clinic); PubMed 23705494 (cited by Clinical Genomics, Uppaluri K&H Personalized Medicine Clinic).